The following is an entry in ClinVar:

ClinVar aggregate classification (germline): Uncertain significance (1 of 4 stars; one submission).

gnomAD v4.1: 2 of 1,608,014 alleles (0.00012%); highest among the groups gnomAD compares: African/African-American, 0.0027%; no homozygotes.

Submission:

GeneDx
Classification: Uncertain significance. Last evaluated: 2024-12-17. Review status: criteria provided, single submitter. Criteria: GeneDx Variant Classification Process June 2021. Collection method: clinical testing. Allele origin: germline. Affected: yes.
Comment: Not observed at significant frequency in large population cohorts (gnomAD); In silico analysis supports that this missense variant has a deleterious effect on protein structure/function; Has not been previously published as pathogenic or benign to our knowledge

NM_001379403.1(WDR26):c.1456C>A (p.Pro486Thr)

Gene: WDR26 (WD repeat domain 26; minus strand). Cytogenetic location: 1q42.12.
Variant type: single nucleotide variant.
Coding change: c.1456C>A on transcript NM_001379403.1 (MANE Select); coding-DNA position 1456, C replaced by A.
Protein change: p.Pro486Thr; replaces proline 486 with threonine.
Molecular consequence: missense variant.
Genome position (GRCh38, 1-based): chr1:224,411,429, G>T on the plus strand (C>A on the coding strand, the complement: WDR26 is on the minus strand). VCF-style: chr1-224411429-G-T. GRCh37 (hg19) VCF-style: chr1-224599131-G-T.
Other names: c.1108C>A, p.Pro370Thr (NM_001115113.3); c.1156C>A, p.Pro386Thr (NM_025160.7); short protein forms P370T, P386T, P486T.
Identifiers: ClinVar variation 3906646 (VCV003906646.1).